The following is an entry in ClinVar:

ClinVar aggregate classification (germline): Likely pathogenic (1 of 4 stars; one submission).

Conditions:
Primary ciliary dyskinesia. Also called: Ciliary dyskinesia. Identifiers: Orphanet 244, MedGen C0008780, MONDO:0016575, HP:0012265.

Submission:

Department of Human Genetics, Hannover Medical School
Classification: Likely pathogenic for Primary Ciliary Dyskinesia. Last evaluated: 2026-04-01. Review status: criteria provided, single submitter. Criteria: ACMG Guidelines, 2015. Collection method: research. Allele origin: germline. Affected: no.
Comment: Classification performed by HerediClassify using the following criteria:['PM2_supporting: Variant occures does not occur as homozygous in gnomAD.', 'PVS1_protein_very_strong: Transcript ENST00000261486 is predicted to undergo NMD.']

NM_022140.5(EPB41L4A):c.633dup (p.Pro212fs)

Gene: EPB41L4A (erythrocyte membrane protein band 4.1 like 4A; minus strand). Cytogenetic location: 5q22.2.
Variant type: Duplication.
Coding change: c.633dup on transcript NM_022140.5 (MANE Select); coding-DNA position 633, one base duplicated (T; older notation c.633dupT).
Protein change: p.Pro212fs; shifts the reading frame from proline 212.
Molecular consequence: frameshift variant. On other transcripts: non-coding transcript variant (1).
Genome position (GRCh38, 1-based): chr5:112,262,503, A duplicated on the plus strand (T on the coding strand, the reverse complement: EPB41L4A is on the minus strand). VCF-style (leftmost placement, unchanged base first): chr5-112262502-G-GA. GRCh37 (hg19) VCF-style: chr5-111598199-G-GA.
Other names: c.633dup, p.Pro212fs (NM_001347887.2); short protein forms P212fs.
Identifiers: ClinVar variation 4880168 (VCV004880168.1).
Genomic context (GRCh38, chr5:112,262,502, plus strand): 5'-AAGAAAAATGTCATCAGCTTAAAATATTTTGTGTTAATTAAATGTTACTCACATAGACGG[G>GA]ATGGAGGTCAACGCCATACATCTCCAGGGATTTGGCAGTCCTCAAGTAATTCAGCTCAGC-3'